The following is an entry in ClinVar:

ClinVar aggregate classification (germline): Conflicting classifications of pathogenicity. Review status: criteria provided, conflicting classifications (1 of 4 stars). 5 submissions from 5 submitters: Uncertain significance (4); Likely benign (1). Last evaluated 2025-02-08.

Conditions:
Familial temporal lobe epilepsy 5. Identifiers: MedGen C3280730, MONDO:0013741, OMIM 614417.
Febrile seizures, familial, 11 (FEB11). Also called: CONVULSIONS, FAMILIAL FEBRILE, 11. Identifiers: MedGen C3280734, MONDO:0024566, OMIM 614418.

Allele frequency attached by ClinVar (database versions not stated): ExAC 0.00001; gnomAD 0.00002; gnomAD exomes 0.00002; TOPMed 0.00003.
gnomAD v4.1: 30 of 1,612,002 alleles (0.0019%); highest among the groups gnomAD compares: South Asian, 0.0033%; no homozygotes.

Submissions (5):

Ambry Genetics
Classification: Uncertain significance. Last evaluated: 2025-02-08. Review status: criteria provided, single submitter. Criteria: Ambry Variant Classification Scheme 2023. Collection method: clinical testing. Allele origin: germline.

Labcorp Genetics (formerly Invitae), Labcorp
Classification: Uncertain significance for Febrile seizures, familial, 11. Last evaluated: 2023-07-17. Review status: criteria provided, single submitter. Criteria: Invitae Variant Classification Sherloc (09022015). Collection method: clinical testing. Allele origin: germline.
Comment: In summary, the available evidence is currently insufficient to determine the role of this variant in disease. Therefore, it has been classified as a Variant of Uncertain Significance. This sequence change replaces arginine, which is basic and polar, with glutamine, which is neutral and polar, at codon 128 of the CPA6 protein (p.Arg128Gln). This variant is present in population databases (rs779117472, gnomAD 0.004%). This variant has not been reported in the literature in individuals affected with CPA6-related conditions. ClinVar contains an entry for this variant (Variation ID: 197321). Advanced modeling of protein sequence and biophysical properties (such as structural, functional, and spatial information, amino acid conservation, physicochemical variation, residue mobility, and thermodynamic stability) performed at Invitae indicates that this missense variant is not expected to disrupt CPA6 protein function.

Blueprint Genetics
Classification: Likely benign. Last evaluated: 2021-11-11. Review status: criteria provided, single submitter. Criteria: ACMG Guidelines, 2015. Collection method: clinical testing. Allele origin: germline.

Illumina Laboratory Services, Illumina
Classification: Uncertain significance for Familial temporal lobe epilepsy 5. Last evaluated: 2018-01-13. Review status: criteria provided, single submitter. Criteria: ICSL Variant Classification Criteria 13 December 2019. Collection method: clinical testing. Allele origin: germline.

Eurofins Ntd Llc (ga)
Classification: Uncertain significance. Last evaluated: 2014-09-02. Review status: criteria provided, single submitter. Criteria: EGL Classification Definitions 2015. Collection method: clinical testing. Allele origin: germline. Observed: 1 variant allele, 1 heterozygote.

NM_020361.5(CPA6):c.383G>A (p.Arg128Gln)

Gene: CPA6 (carboxypeptidase A6; minus strand). Cytogenetic location: 8q13.2.
Variant type: single nucleotide variant.
Coding change: c.383G>A on transcript NM_020361.5 (MANE Select); coding-DNA position 383, G replaced by A.
Protein change: p.Arg128Gln; replaces arginine 128 with glutamine.
Molecular consequence: missense variant.
Genome position (GRCh38, 1-based): chr8:67,511,590, C>T on the plus strand (G>A on the coding strand, the complement: CPA6 is on the minus strand). VCF-style: chr8-67511590-C-T. GRCh37 (hg19) VCF-style: chr8-68423825-C-T.
Other names: short protein forms R128Q.
Identifiers: ClinVar variation 197321 (VCV000197321.21), dbSNP rs779117472, ClinGen allele CA245388.
Genomic context (GRCh38, chr8:67,511,590, plus strand): 5'-TGATTACATACTTCTTCTAAGGAGTGATAAACTTCATAATTATATCCAGAGAGGGATCTT[C>T]GGTTTCTCTGGGTGTGCAAGCTGCTTCCCTTCTCCAGTGTTTTCTGAAGATCTTCTATGA-3'
Protein context (NP_065094.3, residues 118-138): KGSSLHTQRN[Arg128Gln]RSLSGYNYEV